The following is an entry in ClinVar:

NM_003322.6(TULP1):c.776T>C (p.Ile259Thr)

Gene: TULP1 (TUB like protein 1; minus strand). Cytogenetic location: 6p21.31.
Variant type: single nucleotide variant.
Coding change: c.776T>C on transcript NM_003322.6 (MANE Select); coding-DNA position 776, T replaced by C.
Protein change: p.Ile259Thr; replaces isoleucine 259 with threonine.
Molecular consequence: missense variant.
Genome position (GRCh38, 1-based): chr6:35,509,255, A>G on the plus strand (T>C on the coding strand, the complement: TULP1 is on the minus strand). VCF-style: chr6-35509255-A-G. GRCh37 (hg19) VCF-style: chr6-35477032-A-G.
Other names: c.617T>C, p.Ile206Thr (NM_001289395.2); short protein forms I259T, I206T.
Identifiers: ClinVar variation 99671 (VCV000099671.35), dbSNP rs2064317, ClinGen allele CA203606.

ClinVar aggregate classification (germline): Benign. Review status: criteria provided, multiple submitters, no conflicts (2 of 4 stars). 12 submissions from 10 submitters: Benign (11). 1 of the submissions does not count toward it. Last evaluated 2026-02-04.

Conditions:
Retinal dystrophy. Also called: Inherited retinal dystrophy. Identifiers: Orphanet 71862, MedGen C0854723, MeSH D058499, MONDO:0019118, HP:0000556.
Retinitis pigmentosa 14 (RP14). Also called: RETINITIS PIGMENTOSA, JUVENILE, TULP1-RELATED. Identifiers: Orphanet 791, MedGen C1838603, MONDO:0010827, OMIM 600132.
Retinitis pigmentosa (RP). Identifiers: Orphanet 791, MedGen C0035334, MeSH D012174, MONDO:0019200, OMIM 268000. Inheritance: Autosomal dominant, autosomal recessive and X linked inheritance.
Leber congenital amaurosis 15 (LCA15). Identifiers: Orphanet 65, MedGen C3151206, MONDO:0013457, OMIM 613843.
Leber congenital amaurosis 1 (LCA1). Also called: Congenital absence of the rods and cones; Leber's congenital tapetoretinal degeneration; Leber's congenital tapetoretinal dysplasia; RETINAL BLINDNESS, CONGENITAL; AMAUROSIS CONGENITA OF LEBER I. Identifiers: Orphanet 65, MedGen C2931258, MONDO:0008764, OMIM 204000.

Allele frequency attached by ClinVar (database versions not stated): TOPMed 0.36243; ESP Exome Variant Server 0.36552; gnomAD 0.36637 and 0.37033; gnomAD exomes 0.38106 and 0.38362; ExAC 0.38434; 1000 Genomes Project 30x 0.39319; 1000 Genomes Project 0.39397.
gnomAD v4.1: 616,435 of 1,612,918 alleles (38%); highest among the groups gnomAD compares: East Asian, 44%; 119,560 homozygotes.

Submissions (12):

Labcorp Genetics (formerly Invitae), Labcorp
Classification: Benign. Last evaluated: 2026-02-04. Review status: criteria provided, single submitter. Criteria: Invitae Variant Classification Sherloc (09022015). Collection method: clinical testing. Allele origin: germline.

Blueprint Genetics
Classification: Benign. Last evaluated: 2024-11-27. Review status: criteria provided, single submitter. Criteria: ACMG Guidelines, 2015. Collection method: clinical testing. Allele origin: germline.

ARUP Laboratories, Molecular Genetics and Genomics, ARUP Laboratories
Classification: Benign. Last evaluated: 2023-11-29. Review status: criteria provided, single submitter. Criteria: ARUP Molecular Germline Variant Investigation Process 2024. Collection method: clinical testing. Allele origin: germline.

Dept Of Ophthalmology, Nagoya University
Classification: Benign for Retinal dystrophy. Last evaluated: 2023-10-01. Review status: criteria provided, single submitter. Criteria: Submitter's publication. Collection method: research. Allele origin: germline. Affected: yes.

Genome-Nilou Lab
Classification: Benign for Leber congenital amaurosis 15. Last evaluated: 2021-12-05. Review status: criteria provided, single submitter. Criteria: ACMG Guidelines, 2015. Collection method: clinical testing. Allele origin: germline. Affected: no.

Genome-Nilou Lab
Classification: Benign for Retinitis pigmentosa 14. Last evaluated: 2021-12-05. Review status: criteria provided, single submitter. Criteria: ACMG Guidelines, 2015. Collection method: clinical testing. Allele origin: germline. Affected: no.

Mendelics
Classification: Benign for Leber congenital amaurosis 1. Last evaluated: 2019-05-28. Review status: criteria provided, single submitter. Criteria: Mendelics Assertion Criteria 2017. Collection method: clinical testing. Allele origin: unknown.

Illumina Laboratory Services, Illumina
Classification: Benign for Leber congenital amaurosis 15. Last evaluated: 2018-01-13. Review status: criteria provided, single submitter. Criteria: ICSL Variant Classification Criteria 13 December 2019. Collection method: clinical testing. Allele origin: germline.
Comment: This variant was observed in the ICSL laboratory as part of a predisposition screen in an ostensibly healthy population. It had not been previously curated by ICSL or reported in the Human Gene Mutation Database (HGMD: prior to June 1st, 2018), and was therefore a candidate for classification through an automated scoring system. Utilizing variant allele frequency, disease prevalence and penetrance estimates, and inheritance mode, an automated score was calculated to assess if this variant is too frequent to cause the disease. Based on the score and internal cut-off values, a variant classified as benign is not then subjected to further curation. The score for this variant resulted in a classification of benign for this disease.

Illumina Laboratory Services, Illumina
Classification: Benign for Retinitis pigmentosa. Last evaluated: 2018-01-13. Review status: criteria provided, single submitter. Criteria: ICSL Variant Classification Criteria 13 December 2019. Collection method: clinical testing. Allele origin: germline.
Comment: the same text as in the submission from Illumina Laboratory Services, Illumina above.

Eurofins Ntd Llc (ga)
Classification: Benign. Last evaluated: 2015-04-03. Review status: criteria provided, single submitter. Criteria: EGL Classification Definitions 2015. Collection method: clinical testing. Allele origin: germline. Observed: 3 variant alleles, 2 heterozygotes, 1 homozygote.

GeneDx
Classification: Benign. Last evaluated: 2015-03-03. Review status: criteria provided, single submitter. Criteria: GeneDx Variant Classification Process June 2021. Collection method: clinical testing. Allele origin: germline. Affected: yes.

Retina International
No classification provided. Review status: no classification provided. Collection method: not provided. Allele origin: unknown. Not counted in ClinVar's aggregate classification.

Literature cited by the submitters: PubMed 17962469 (cited by Eurofins Ntd Llc (ga)); PubMed 9462750 (cited by Eurofins Ntd Llc (ga)).